The following is an entry in ClinVar:

NM_032271.3(TRAF7):c.1377C>T (p.Cys459=)

Gene: TRAF7 (TNF receptor associated factor 7; plus strand). Cytogenetic location: 16p13.3.
Variant type: single nucleotide variant.
Coding change: c.1377C>T on transcript NM_032271.3 (MANE Select); coding-DNA position 1377, C replaced by T.
Protein change: p.Cys459=; no amino-acid change (cysteine 459 retained).
Molecular consequence: synonymous variant.
Genome position (GRCh38, 1-based): chr16:2,175,141, C>T. VCF-style: chr16-2175141-C-T. GRCh37 (hg19) VCF-style: chr16-2225142-C-T.
Identifiers: ClinVar variation 3050387 (VCV003050387.22), dbSNP rs377479113, ClinGen allele CA7834967.

ClinVar aggregate classification (germline): Likely benign. Review status: criteria provided, single submitter (1 of 4 stars). 2 submissions from 2 submitters: Likely benign (1). 1 of the submissions does not count toward it. Last evaluated 2024-03-01.

Conditions:
TRAF7-related disorder. Also called: TRAF7-related condition.

Allele frequency attached by ClinVar (database versions not stated): gnomAD exomes 0.00007; ESP Exome Variant Server 0.00008; gnomAD 0.00011; ExAC 0.00014; TOPMed 0.00020.

Submissions (2):

CeGaT Center for Human Genetics Tuebingen
Classification: Likely benign. Last evaluated: 2024-03-01. Review status: criteria provided, single submitter. Criteria: CeGaT Center For Human Genetics Tuebingen Variant Classification Criteria Version 2. Collection method: clinical testing. Allele origin: germline. Affected: yes. Observed: 1 variant allele.
Comment: TRAF7: BP4, BP7

PreventionGenetics, part of Exact Sciences
Classification: Likely benign for TRAF7-related condition. Last evaluated: 2019-07-25. Review status: no assertion criteria provided. Collection method: clinical testing. Allele origin: germline. Not counted in ClinVar's aggregate classification.
Comment: This variant is classified as likely benign based on ACMG/AMP sequence variant interpretation guidelines (Richards et al. 2015 PMID: 25741868, with internal and published modifications).